The following is an entry in ClinVar:

ClinVar aggregate classification (germline): Uncertain significance (1 of 4 stars; one submission).

Conditions:
Cardiovascular phenotype. Identifiers: MedGen CN230736.

Submission:

Ambry Genetics
Classification: Uncertain significance for Cardiovascular phenotype. Last evaluated: 2025-12-19. Review status: criteria provided, single submitter. Criteria: Ambry Variant Classification Scheme 2023. Collection method: clinical testing. Allele origin: germline.
Comment: The p.T1042P variant (also known as c.3124A>C), located in coding exon 27 of the RYR2 gene, results from an A to C substitution at nucleotide position 3124. The threonine at codon 1042 is replaced by proline, an amino acid with highly similar properties. This amino acid position is conserved. In addition, this alteration is predicted to be deleterious by in silico analysis. Based on the available evidence, the clinical significance of this variant remains unclear.

NM_001035.3(RYR2):c.3124A>C (p.Thr1042Pro)

Gene: RYR2 (ryanodine receptor 2; plus strand). Cytogenetic location: 1q43.
Variant type: single nucleotide variant.
Coding change: c.3124A>C on transcript NM_001035.3 (MANE Select); coding-DNA position 3124, A replaced by C.
Protein change: p.Thr1042Pro; replaces threonine 1042 with proline.
Molecular consequence: missense variant.
Genome position (GRCh38, 1-based): chr1:237,550,601, A>C. VCF-style: chr1-237550601-A-C. GRCh37 (hg19) VCF-style: chr1-237713901-A-C.
Other names: short protein forms T1042P.
Identifiers: ClinVar variation 4843932 (VCV004843932.1).